The following is an entry in ClinVar:

NM_001148.6(ANK2):c.8338A>G (p.Met2780Val)

Gene: ANK2 (ankyrin 2; plus strand). Cytogenetic location: 4q26.
Variant type: single nucleotide variant.
Coding change: c.8338A>G on transcript NM_001148.6 (MANE Select); coding-DNA position 8338, A replaced by G.
Protein change: p.Met2780Val; replaces methionine 2780 with valine.
Molecular consequence: missense variant. On other transcripts: intron variant (68).
Genome position (GRCh38, 1-based): chr4:113,356,956, A>G. VCF-style: chr4-113356956-A-G. GRCh37 (hg19) VCF-style: chr4-114278112-A-G.
Other names: c.4253-3867A>G (NM_001386147.1); c.4271-3867A>G (NM_001386160.1); c.4376-3867A>G (NM_001354254.2); c.4397-3867A>G (NM_001354239.2, NM_001354252.2); c.4298-3867A>G (NM_001354272.2); c.4361-3867A>G (NM_001354244.2, NM_001354256.2, NM_001386161.1); c.4400-3867A>G (NM_001127493.3); c.4364-3867A>G (NM_001386143.1, NM_001354243.2, NM_001354255.2); and 35 more; short protein forms M2702V, M2827V, M1580V, M2780V, M2819V.
Identifiers: ClinVar variation 4087979 (VCV004087979.3).

ClinVar aggregate classification (germline): Uncertain significance. Review status: criteria provided, multiple submitters, no conflicts (2 of 4 stars). 2 submissions from 2 submitters: Uncertain significance (2). Last evaluated 2026-03-11.

Conditions:
Cardiovascular phenotype. Identifiers: MedGen CN230736.

Submissions (2):

GeneDx
Classification: Uncertain significance. Last evaluated: 2026-03-11. Review status: criteria provided, single submitter. Criteria: GeneDx Variant Classification Process June 2021. Collection method: clinical testing. Allele origin: germline.
Comment: Not observed at significant frequency in large population cohorts (gnomAD); In silico analysis suggests that this missense variant does not alter protein structure/function; Has not been previously published as pathogenic or benign to our knowledge

Ambry Genetics
Classification: Uncertain significance for Cardiovascular phenotype. Last evaluated: 2025-10-27. Review status: criteria provided, single submitter. Criteria: Ambry Variant Classification Scheme 2023. Collection method: clinical testing. Allele origin: germline.
Comment: The p.M2780V variant (also known as c.8338A>G), located in coding exon 38 of the ANK2 gene, results from an A to G substitution at nucleotide position 8338. The methionine at codon 2780 is replaced by valine, an amino acid with highly similar properties. This amino acid position is conserved. In addition, this alteration is predicted to be tolerated by in silico analysis. Based on the available evidence, the clinical significance of this variant remains unclear.